The following is an entry in ClinVar:

ClinVar aggregate classification (germline): Uncertain significance. Review status: criteria provided, multiple submitters, no conflicts (2 of 4 stars). 2 submissions from 2 submitters: Uncertain significance (2). Last evaluated 2026-01-19.

Conditions:
Inborn genetic diseases. Identifiers: MedGen C0950123, MeSH D030342.
Acyl-CoA oxidase deficiency. Also called: Peroxisomal acyl-CoA oxidase deficiency; STRAIGHT-CHAIN ACYL-CoA OXIDASE DEFICIENCY; Pseudoneonatal adrenoleukodystrophy. Identifiers: Orphanet 2971, MedGen C1849678, MONDO:0009919, OMIM 264470. Disease mechanism: loss of function.

gnomAD v4.1: 1 of 1,614,050 alleles (0.000062%); highest among the groups gnomAD compares: Admixed American, 0.0017%; no homozygotes.

Submissions (2):

Labcorp Genetics (formerly Invitae), Labcorp
Classification: Uncertain significance for Acyl-CoA oxidase deficiency. Last evaluated: 2026-01-19. Review status: criteria provided, single submitter. Criteria: Invitae Variant Classification Sherloc (09022015). Collection method: clinical testing. Allele origin: germline.
Comment: This sequence change replaces aspartic acid, which is acidic and polar, with alanine, which is neutral and non-polar, at codon 476 of the ACOX1 protein (p.Asp476Ala). This variant is not present in population databases (gnomAD no frequency). This variant has not been reported in the literature in individuals affected with ACOX1-related conditions. ClinVar contains an entry for this variant (Variation ID: 4217120). Invitae Evidence Modeling of protein sequence and biophysical properties (such as structural, functional, and spatial information, amino acid conservation, physicochemical variation, residue mobility, and thermodynamic stability) indicates that this missense variant is not expected to disrupt ACOX1 protein function with a negative predictive value of 80%. In summary, the available evidence is currently insufficient to determine the role of this variant in disease. Therefore, it has been classified as a Variant of Uncertain Significance.

Ambry Genetics
Classification: Uncertain significance for Inborn genetic diseases. Last evaluated: 2025-08-23. Review status: criteria provided, single submitter. Criteria: Ambry Variant Classification Scheme 2023. Collection method: clinical testing. Allele origin: germline.

NM_004035.7(ACOX1):c.1427A>C (p.Asp476Ala)

Gene: ACOX1 (acyl-CoA oxidase 1; minus strand). Cytogenetic location: 17q25.1.
Variant type: single nucleotide variant.
Coding change: c.1427A>C on transcript NM_004035.7 (MANE Select); coding-DNA position 1427, A replaced by C.
Protein change: p.Asp476Ala; replaces aspartic acid 476 with alanine.
Molecular consequence: missense variant.
Genome position (GRCh38, 1-based): chr17:75,949,769, T>G on the plus strand (A>C on the coding strand, the complement: ACOX1 is on the minus strand). VCF-style: chr17-75949769-T-G. GRCh37 (hg19) VCF-style: chr17-73945850-T-G.
Other names: c.1313A>C, p.Asp438Ala (NM_001185039.2); c.1427A>C, p.Asp476Ala (NM_007292.6); short protein forms D438A, D476A.
Identifiers: ClinVar variation 4217120 (VCV004217120.2).
Genomic context (GRCh38, chr17:75,949,769, plus strand): 5'-AGAGCTCACCTGGCTGCACGGAGTTTATATGCTTCGGTTAGGCTTTCGGGGCTGTTGATA[T>G]CCACCATGGTTGGCCAGACTGCTACCTGCTGTGGCTGGATGCGCTGACTGGGCAGGTCGT-3'
Protein context (NP_004026.2, residues 466-486): QQVAVWPTMV[Asp476Ala]INSPESLTEA